The following is an entry in ClinVar:

ClinVar aggregate classification (germline): Conflicting classifications of pathogenicity. Review status: criteria provided, conflicting classifications (1 of 4 stars). 2 submissions from 2 submitters: Likely pathogenic (1); Uncertain significance (1). Last evaluated 2025-12-19.

Conditions:
Autosomal recessive nonsyndromic hearing loss 3. Also called: NEUROSENSORY NONSYNDROMIC RECESSIVE DEAFNESS 3. Identifiers: Orphanet 90636, MedGen C1838263, MONDO:0010860, OMIM 600316.

Submissions (2):

Dasa
Classification: Uncertain significance for Autosomal recessive nonsyndromic hearing loss 3. Last evaluated: 2025-12-19. Review status: criteria provided, single submitter. Criteria: DASA Assertion Criteria. Collection method: clinical testing. Allele origin: germline.
Comment: NM_016239.4(MYO15A):c.8315A>G (p.Tyr2772Cys) is a missense variant that results in the substitution of tyrosine with cysteine. This variant is rare in population databases. Computational prediction algorithms are consistent with a deleterious effect. The currently available literature and clinical evidence are not sufficient to establish a definitive association between this variant and the reported condition. Therefore, this variant is classified as a variant of uncertain significance.

Institute of Rare Diseases, West China Hospital, Sichuan University
Classification: Likely pathogenic for Autosomal recessive nonsyndromic hearing loss 3. Last evaluated: 2025-01-09. Review status: criteria provided, single submitter. Criteria: ClinGen HL ACMG Specifications v1. Collection method: research. Allele origin: germline. Affected: yes.
Comment: PM3_Strong;PM2_Supporting;PP3

NM_016239.4(MYO15A):c.8315A>G (p.Tyr2772Cys)

Gene: MYO15A (myosin XVA; plus strand). Cytogenetic location: 17p11.2.
Variant type: single nucleotide variant.
Coding change: c.8315A>G on transcript NM_016239.4 (MANE Select); coding-DNA position 8315, A replaced by G.
Protein change: p.Tyr2772Cys; replaces tyrosine 2772 with cysteine.
Molecular consequence: missense variant.
Genome position (GRCh38, 1-based): chr17:18,155,200, A>G. VCF-style: chr17-18155200-A-G. GRCh37 (hg19) VCF-style: chr17-18058514-A-G.
Other names: short protein forms Y2772C.
Identifiers: ClinVar variation 3601397 (VCV003601397.3).
Genomic context (GRCh38, chr17:18,155,200, plus strand): 5'-TGGTAACGGAAAGCGTGAAGCGGGCCGTGGTCAGCACTGCACGAGACACCTGGGAGGTCT[A>G]CTTCTCCCGCATCTTCCCCGCCACGGTGCGAGCCCCTCACTTGCCCCCTACCTGTCCAGA-3'
Protein context (NP_057323.3, residues 2762-2782): VSTARDTWEV[Tyr2772Cys]FSRIFPATGS